The following is an entry in ClinVar:

NM_015909.4(NBAS):c.5299G>A (p.Glu1767Lys)

Gene: NBAS (NBAS subunit of NRZ tethering complex; minus strand). Cytogenetic location: 2p24.3.
Variant type: single nucleotide variant.
Coding change: c.5299G>A on transcript NM_015909.4 (MANE Select); coding-DNA position 5299, G replaced by A.
Protein change: p.Glu1767Lys; replaces glutamic acid 1767 with lysine.
Molecular consequence: missense variant. On other transcripts: non-coding transcript variant (1).
Genome position (GRCh38, 1-based): chr2:15,276,941, C>T on the plus strand (G>A on the coding strand, the complement: NBAS is on the minus strand). VCF-style: chr2-15276941-C-T. GRCh37 (hg19) VCF-style: chr2-15417065-C-T.
Other names: short protein forms E1767K.
Identifiers: ClinVar variation 4694606 (VCV004694606.1).

ClinVar aggregate classification (germline): Uncertain significance (1 of 4 stars; one submission).

gnomAD v4.1: 2 of 1,613,956 alleles (0.00012%); highest among the groups gnomAD compares: Non-Finnish European, 0.00017%; no homozygotes.

Submission:

Labcorp Genetics (formerly Invitae), Labcorp
Classification: Uncertain significance. Last evaluated: 2025-12-15. Review status: criteria provided, single submitter. Criteria: Invitae Variant Classification Sherloc (09022015). Collection method: clinical testing. Allele origin: germline.
Comment: This sequence change replaces glutamic acid, which is acidic and polar, with lysine, which is basic and polar, at codon 1767 of the NBAS protein (p.Glu1767Lys). This variant is not present in population databases (gnomAD no frequency). This variant has not been reported in the literature in individuals affected with NBAS-related conditions. Invitae Evidence Modeling of protein sequence and biophysical properties (such as structural, functional, and spatial information, amino acid conservation, physicochemical variation, residue mobility, and thermodynamic stability) has been performed for this missense variant. However, the output from this modeling did not meet the statistical confidence thresholds required to predict the impact of this variant on NBAS protein function. In summary, the available evidence is currently insufficient to determine the role of this variant in disease. Therefore, it has been classified as a Variant of Uncertain Significance.